The following is an entry in ClinVar:

ClinVar aggregate classification (germline): Likely benign (1 of 4 stars; one submission).

Allele frequency attached by ClinVar (database versions not stated): gnomAD exomes 0.00002; ExAC 0.00004; TOPMed 0.00005; gnomAD 0.00006; ESP Exome Variant Server 0.00009.
gnomAD v4.1: 32 of 1,204,100 alleles (0.0027%); highest among the groups gnomAD compares: Middle Eastern, 0.023%; no homozygotes.

Submission:

CeGaT Center for Human Genetics Tuebingen
Classification: Likely benign. Last evaluated: 2023-05-01. Review status: criteria provided, single submitter. Criteria: CeGaT Center For Human Genetics Tuebingen Variant Classification Criteria Version 2. Collection method: clinical testing. Allele origin: germline. Affected: yes. Observed: 2 variant alleles.
Comment: ZMYM3: BP4

NM_201599.3(ZMYM3):c.3039C>T (p.Phe1013=)

Gene: ZMYM3 (zinc finger MYM-type containing 3; minus strand). Cytogenetic location: Xq13.1.
Variant type: single nucleotide variant.
Coding change: c.3039C>T on transcript NM_201599.3 (MANE Select); coding-DNA position 3039, C replaced by T.
Protein change: p.Phe1013=; no amino-acid change (phenylalanine 1013 retained).
Molecular consequence: synonymous variant.
Genome position (GRCh38, 1-based): chrX:71,244,862, G>A on the plus strand (C>T on the coding strand, the complement: ZMYM3 is on the minus strand). VCF-style: chrX-71244862-G-A. GRCh37 (hg19) VCF-style: chrX-70464712-G-A.
Other names: c.3003C>T, p.Phe1001= (NM_001171162.1); c.3039C>T, p.Phe1013= (NM_005096.3).
Identifiers: ClinVar variation 2660862 (VCV002660862.24), dbSNP rs369937936, ClinGen allele CA10445520.